The following is an entry in ClinVar:

ClinVar aggregate classification (germline): Likely benign (1 of 4 stars; one submission).

gnomAD v4.1: 1 of 1,211,983 alleles (0.000083%); highest among the groups gnomAD compares: Non-Finnish European, 0.00011%; no homozygotes.

Submission:

CeGaT Center for Human Genetics Tuebingen
Classification: Likely benign. Last evaluated: 2024-08-01. Review status: criteria provided, single submitter. Criteria: CeGaT Center For Human Genetics Tuebingen Variant Classification Criteria Version 2. Collection method: clinical testing. Allele origin: germline. Affected: yes. Observed: 1 variant allele.
Comment: PIGA: BP4, BP7

NM_002641.4(PIGA):c.333A>G (p.Pro111=)

Gene: PIGA (phosphatidylinositol glycan anchor biosynthesis class A; minus strand). Cytogenetic location: Xp22.2.
Variant type: single nucleotide variant.
Coding change: c.333A>G on transcript NM_002641.4 (MANE Select); coding-DNA position 333, A replaced by G.
Protein change: p.Pro111=; no amino-acid change (proline 111 retained).
Molecular consequence: synonymous variant. On other transcripts: non-coding transcript variant (1), intron variant (1).
Genome position (GRCh38, 1-based): chrX:15,331,598, T>C on the plus strand (A>G on the coding strand, the complement: PIGA is on the minus strand). VCF-style: chrX-15331598-T-C. GRCh37 (hg19) VCF-style: chrX-15349720-T-C.
Other names: c.13+3903A>G (NM_020473.3).
Identifiers: ClinVar variation 3342145 (VCV003342145.16).
Genomic context (GRCh38, chrX:15,331,598, plus strand): 5'-AAAAGAACTATGTGAATGGATTATCGTGACTCTCTCCCGAACAAATATGTACCTGAGCAA[T>C]GGCAGACTGTGAAAGAGGGTCGTGGCTGTAGACTGGTTGTACATGACTTTCAGAGGCAAG-3'
Protein context (NP_002632.1, residues 101-121): STATTLFHSL[Pro111=]LLRYIFVRER